The following is an entry in ClinVar:

NM_015447.4(CAMSAP1):c.4193C>G (p.Ser1398Ter)

Gene: CAMSAP1 (calmodulin regulated spectrin associated protein 1; minus strand). Cytogenetic location: 9q34.3.
Variant type: single nucleotide variant.
Coding change: c.4193C>G on transcript NM_015447.4 (MANE Select); coding-DNA position 4193, C replaced by G.
Protein change: p.Ser1398Ter; replaces serine 1398 with a stop codon.
Molecular consequence: nonsense.
Genome position (GRCh38, 1-based): chr9:135,818,055, G>C on the plus strand (C>G on the coding strand, the complement: CAMSAP1 is on the minus strand). VCF-style: chr9-135818055-G-C. GRCh37 (hg19) VCF-style: chr9-138709901-G-C.
Other names: c.3359C>G, p.Ser1120Ter (NM_001411031.1); c.4193C>G (NM_015447.3); short protein forms S1120*, S1398*.
Identifiers: ClinVar variation 1706471 (VCV001706471.3), dbSNP rs2491236071, ClinGen allele CA375498898.

ClinVar aggregate classification (germline): Pathogenic/Likely pathogenic. Review status: criteria provided, multiple submitters, no conflicts (2 of 4 stars). 2 submissions from 2 submitters: Pathogenic (1); Likely pathogenic (1). Last evaluated 2023-09-26.

Conditions:
CAMSAP1-related neuronal migration disorder.

Allele frequency attached by ClinVar (database versions not stated): gnomAD exomes below 0.00001.
gnomAD v4.1: 4 of 1,613,780 alleles (0.00025%); highest among the groups gnomAD compares: Non-Finnish European, 0.00034%; no homozygotes.

Submissions (2):

GeneDx
Classification: Pathogenic. Last evaluated: 2023-09-26. Review status: criteria provided, single submitter. Criteria: GeneDx Variant Classification Process June 2021. Collection method: clinical testing. Allele origin: germline. Affected: yes.
Comment: Nonsense variant predicted to result in protein truncation or nonsense mediated decay in a gene for which loss of function is a known mechanism of disease; Not observed at significant frequency in large population cohorts (gnomAD); This variant is associated with the following publications: (PMID: 36283405)

Rare Disease Group, University of Exeter
Classification: Likely pathogenic for CAMSAP1-related neuronal migration disorder. Last evaluated: 2022-09-15. Review status: criteria provided, single submitter. Criteria: ACMG Guidelines, 2015. Collection method: research. Allele origin: inherited. Inheritance: Autosomal recessive inheritance. Affected: yes. Observed: 1 variant allele.